The following is an entry in ClinVar:

ClinVar aggregate classification (germline): Benign. Review status: criteria provided, multiple submitters, no conflicts (2 of 4 stars). 4 submissions from 4 submitters: Benign (4). Last evaluated 2021-07-14.

Conditions:
Mitochondrial complex I deficiency, nuclear type 9. Also called: Mitochondrial complex 1 deficiency, nuclear type 9. Identifiers: MedGen C4748767, MONDO:0032615, OMIM 618232.

Allele frequency attached by ClinVar (database versions not stated): 1000 Genomes Project 30x 0.61181; 1000 Genomes Project 0.61302; TOPMed 0.71731; gnomAD 0.73469 and 0.73596; ExAC 0.75652; gnomAD exomes 0.78786 and 0.82846.
gnomAD v4.1: 628,237 of 776,056 alleles (81%); highest among the groups gnomAD compares: Non-Finnish European, 88%; 262,606 homozygotes.

Submissions (4):

Genome-Nilou Lab
Classification: Benign for Mitochondrial complex I deficiency, nuclear type 9. Last evaluated: 2021-07-14. Review status: criteria provided, single submitter. Criteria: ACMG Guidelines, 2015. Collection method: clinical testing. Allele origin: germline. Affected: no.

Mendelics
Classification: Benign for Mitochondrial complex I deficiency, nuclear type 9. Last evaluated: 2019-05-28. Review status: criteria provided, single submitter. Criteria: Mendelics Assertion Criteria 2017. Collection method: clinical testing. Allele origin: unknown.

GeneDx
Classification: Benign. Last evaluated: 2018-06-14. Review status: criteria provided, single submitter. Criteria: GeneDx Variant Classification (06012015). Collection method: clinical testing. Allele origin: germline. Affected: yes.
Comment: This variant is considered likely benign or benign based on one or more of the following criteria: it is a conservative change, it occurs at a poorly conserved position in the protein, it is predicted to be benign by multiple in silico algorithms, and/or has population frequency not consistent with disease.

Breakthrough Genomics
Classification: Benign. Review status: criteria provided, single submitter. Criteria: ACMG Guidelines, 2015. Collection method: not provided. Allele origin: germline. Inheritance: Autosomal recessive inheritance. Affected: yes.

NM_004553.6(NDUFS6):c.309+208T>C

Gene: NDUFS6 (NADH:ubiquinone oxidoreductase subunit S6; plus strand). Cytogenetic location: 5p15.33.
Variant type: single nucleotide variant.
Coding change: c.309+208T>C on transcript NM_004553.6 (MANE Select); 208 bases into the intron after coding-DNA position 309, T replaced by C.
Molecular consequence: intron variant.
Genome position (GRCh38, 1-based): chr5:1,814,669, T>C. VCF-style: chr5-1814669-T-C. GRCh37 (hg19) VCF-style: chr5-1814783-T-C.
Identifiers: ClinVar variation 683115 (VCV000683115.6), dbSNP rs4147773, ClinGen allele CA3187690.